The following is an entry in ClinVar:

NM_007294.4(BRCA1):c.5534del (p.Tyr1845fs)

Gene: BRCA1 (BRCA1 DNA repair associated; minus strand). Cytogenetic location: 17q21.31.
Variant type: Deletion.
Coding change: c.5534del on transcript NM_007294.4 (MANE Select); coding-DNA position 5534, one base deleted (A; older notation c.5534delA).
Protein change: p.Tyr1845fs; shifts the reading frame from tyrosine 1845.
Molecular consequence: frameshift variant. On other transcripts: 3 prime UTR variant (1), non-coding transcript variant (1).
Genome position (GRCh38, 1-based): chr17:43,045,736, T deleted on the plus strand (A on the coding strand, the reverse complement: BRCA1 is on the minus strand). VCF-style (leftmost placement, unchanged base first): chr17-43045735-GT-G. GRCh37 (hg19) VCF-style: chr17-41197752-GT-G.
Other names: c.5321delA, p.Tyr1774Serfs (NM_001407571.1, NM_001407894.1, NM_001407895.1 and 12 more transcripts); c.5600delA, p.Tyr1867Serfs (NM_001407581.1, NM_001407582.1); c.5597delA, p.Tyr1866Serfs (NM_001407583.1, NM_001407585.1, NM_001407587.1); c.5594delA, p.Tyr1865Serfs (NM_001407590.1, NM_001407591.1); c.5534delA, p.Tyr1845Serfs (NM_001407593.1, NM_001407594.1, NM_001407596.1 and 5 more transcripts); c.5531delA, p.Tyr1844Serfs (NM_001407610.1, NM_001407611.1, NM_001407612.1 and 14 more transcripts); c.5528delA, p.Tyr1843Serfs (NM_001407627.1, NM_001407628.1, NM_001407629.1 and 13 more transcripts); c.5525delA, p.Tyr1842Serfs (NM_001407644.1, NM_001407645.1); and 77 more; short protein forms Y1866fs, Y1798fs, Y741fs, Y1845fs.
Identifiers: ClinVar variation 417827 (VCV000417827.7), dbSNP rs1060505048, ClinGen allele CA16616882.

ClinVar aggregate classification (germline): Pathogenic. Review status: reviewed by expert panel (3 of 4 stars). 5 submissions from 5 submitters: Pathogenic (1). 4 of the submissions do not count toward it. Last evaluated 2017-12-15.

Conditions:
Breast-ovarian cancer, familial, susceptibility to, 1 (BROVCA1). Also called: BRCA1 Hereditary Breast and Ovarian Cancer; OVARIAN CANCER, SUSCEPTIBILITY TO. Identifiers: Orphanet 145, MedGen C2676676, MONDO:0011450, OMIM 604370. Disease mechanism: loss of function.
Hereditary breast ovarian cancer syndrome. Also called: Hereditary breast and ovarian cancer syndrome; Breast and ovarian cancer; Hereditary breast and ovarian cancer syndrome (HBOC); Hereditary breast and/or ovarian cancer syndrome; BRCA1- and BRCA2-Associated Hereditary Breast and Ovarian Cancer; Hereditary breast and ovarian cancer. Identifiers: Orphanet 145, MedGen C0677776, MeSH D061325, MONDO:0003582. Disease mechanism: loss of function.
Hereditary cancer-predisposing syndrome. Also called: Neoplastic Syndromes, Hereditary; Hereditary neoplastic syndrome; Hereditary Cancer Syndrome; Tumor predisposition. Identifiers: Orphanet 140162, MedGen C0027672, MeSH D009386, MONDO:0015356.

Submissions (5):

Evidence-based Network for the Interpretation of Germline Mutant Alleles (ENIGMA)
Classification: Pathogenic for Breast-ovarian cancer, familial, susceptibility to, 1. Last evaluated: 2017-12-15. Review status: reviewed by expert panel. Criteria: ENIGMA BRCA1/2 Classification Criteria (2017-06-29). Collection method: curation. Allele origin: germline. Study: ENIGMA.
Comment: Variant allele predicted to encode a truncated non-functional protein.

Genetics and Personalized Medicine Clinic, Tartu University Hospital
Classification: Likely pathogenic for Hereditary breast ovarian cancer syndrome. Last evaluated: 2023-01-01. Review status: criteria provided, single submitter. Criteria: ACMG Guidelines, 2015. Collection method: clinical testing. Allele origin: germline. Affected: no. Observed: 1 variant allele. Not counted in ClinVar's aggregate classification.
Comment: This BRCA1 frameshift variant (c.5534_5539delins20, p.Tyr1845Cysfs*15) introduces a premature stop codon, likely leading to nonsense-mediated decay or a truncated protein. Loss-of-function is a known disease mechanism for BRCA1.

Ambry Genetics
Classification: Pathogenic for Hereditary cancer-predisposing syndrome. Last evaluated: 2016-02-26. Review status: criteria provided, single submitter. Criteria: Ambry Variant Classification Scheme 2023. Collection method: clinical testing. Allele origin: germline. Not counted in ClinVar's aggregate classification.
Comment: The c.5534delA pathogenic mutation, located in coding exon 22 of the BRCA1 gene, results from a deletion of one nucleotide at nucleotide position 5534, causing a translational frameshift with a predicted alternate stop codon. Another mutation that results in a truncation at the same amino acid (c.5548delC) was reported as disease causing in a study that used qPCR-HRM to screen for point mutations and large rearrangements in BRCA1 and BRCA2 (Coulet F et al, Genet Test Mol Biomarkers 2010 Oct; 14(5):677-90). In addition to the clinical data presented in the literature, since frameshifts are typically deleterious in nature, this alteration is interpreted as a disease-causing mutation (ACMG Recommendations for Standards for Interpretation and Reporting of Sequence Variations. Revision 2007. Genet Med. 2008;10:294).

Department of Medical Genetics, Oslo University Hospital
Classification: Pathogenic for Breast-ovarian cancer, familial, susceptibility to, 1. Last evaluated: 2015-07-01. Review status: criteria provided, single submitter. Criteria: ACMG Guidelines, 2015. Collection method: clinical testing. Allele origin: germline. Affected: yes. Observed: 5 variant alleles. Not counted in ClinVar's aggregate classification.

Research Molecular Genetics Laboratory, Women's College Hospital, University of Toronto
Classification: Pathogenic for Hereditary breast ovarian cancer syndrome. Last evaluated: 2014-01-31. Review status: no assertion criteria provided. Collection method: research. Allele origin: germline. Affected: yes. Study: The Canadian Open Genetics Repository (COGR). Not counted in ClinVar's aggregate classification.

Literature cited by the submitters: PubMed 20858050 (cited by Ambry Genetics); PubMed 25066507 (cited by Ambry Genetics).